The following is an entry in ClinVar:

ClinVar aggregate classification (germline): Uncertain significance (1 of 4 stars; one submission).

Conditions:
Autoimmune lymphoproliferative syndrome type 1. Also called: AUTOIMMUNE LYMPHOPROLIFERATIVE SYNDROME, TYPE I, AUTOSOMAL DOMINANT. Identifiers: Orphanet 3261, MedGen C2717884, MONDO:0011158, OMIM 601859.

Submission:

Labcorp Genetics (formerly Invitae), Labcorp
Classification: Uncertain significance for Autoimmune lymphoproliferative syndrome. Last evaluated: 2022-06-13. Review status: criteria provided, single submitter. Criteria: Invitae Variant Classification Sherloc (09022015). Collection method: clinical testing. Allele origin: germline.
Comment: In summary, the available evidence is currently insufficient to determine the role of this variant in disease. Therefore, it has been classified as a Variant of Uncertain Significance. Algorithms developed to predict the effect of missense changes on protein structure and function are either unavailable or do not agree on the potential impact of this missense change (SIFT: "Not Available"; PolyPhen-2: "Probably Damaging"; Align-GVGD: "Not Available"). ClinVar contains an entry for this variant (Variation ID: 1043064). This missense change has been observed in individual(s) with autoimmune lymphoproliferative syndrome (PMID: 22983577). This variant is not present in population databases (gnomAD no frequency). This sequence change replaces alanine, which is neutral and non-polar, with glutamic acid, which is acidic and polar, at codon 290 of the FAS protein (p.Ala290Glu).

Literature cited by the submitters: PubMed 22983577.

NM_000043.6(FAS):c.869C>A (p.Ala290Glu)

Gene: FAS (Fas cell surface death receptor; plus strand). Cytogenetic location: 10q23.31.
Variant type: single nucleotide variant.
Coding change: c.869C>A on transcript NM_000043.6 (MANE Select); coding-DNA position 869, C replaced by A.
Protein change: p.Ala290Glu; replaces alanine 290 with glutamic acid.
Molecular consequence: missense variant. On other transcripts: 3 prime UTR variant (2), non-coding transcript variant (7).
Genome position (GRCh38, 1-based): chr10:89,014,311, C>A. VCF-style: chr10-89014311-C-A. GRCh37 (hg19) VCF-style: chr10-90774068-C-A.
Other names: c.*192C>A (NM_001320619.2); c.806C>A, p.Ala269Glu (NM_152871.4); c.*181C>A (NM_152872.4); short protein forms A290E, A269E.
Identifiers: ClinVar variation 1043064 (VCV001043064.8), dbSNP rs760993872, ClinGen allele CA377509999.
Genomic context (GRCh38, chr10:89,014,311, plus strand): 5'-CAGCAGAACAGAAAGTTCAACTGCTTCGTAATTGGCATCAACTTCATGGAAAGAAAGAAG[C>A]GTATGACACATTGATTAAAGATCTCAAAAAAGCCAATCTTTGTACTCTTGCAGAGAAAAT-3'
Protein context (NP_000034.1, residues 280-300): NWHQLHGKKE[Ala290Glu]YDTLIKDLKK